The following is an entry in ClinVar:

ClinVar aggregate classification (germline): Likely benign (1 of 4 stars; one submission).

Conditions:
Autosomal dominant nonsyndromic hearing loss 4A. Also called: Deafness, autosomal dominant 4A. Identifiers: Orphanet 90635, MedGen C1833503, MONDO:0010915, OMIM 600652.

Allele frequency attached by ClinVar (database versions not stated): gnomAD exomes 0.00006 and 0.00019; gnomAD 0.00010 and 0.00011; TOPMed 0.00011; ExAC 0.00017.
gnomAD v4.1: 105 of 1,424,226 alleles (0.0074%); highest among the groups gnomAD compares: Non-Finnish European, 0.0017%; no homozygotes.

Submission:

Illumina Laboratory Services, Illumina
Classification: Likely benign for Autosomal dominant nonsyndromic hearing loss 4A. Last evaluated: 2018-01-12. Review status: criteria provided, single submitter. Criteria: ICSL Variant Classification Criteria 13 December 2019. Collection method: clinical testing. Allele origin: germline.
Comment: This variant was observed in the ICSL laboratory as part of a predisposition screen in an ostensibly healthy population. It had not been previously curated by ICSL or reported in the Human Gene Mutation Database (HGMD: prior to June 1st, 2018), and was therefore a candidate for classification through an automated scoring system. Utilizing variant allele frequency, disease prevalence and penetrance estimates, and inheritance mode, an automated score was calculated to assess if this variant is too frequent to cause the disease. Based on the score and internal cut-off values, a variant classified as likely benign is not then subjected to further curation. The score for this variant resulted in a classification of likely benign for this disease.

NM_001145809.2(MYH14):c.*81A>G

Gene: MYH14 (myosin heavy chain 14; plus strand). Cytogenetic location: 19q13.33.
Variant type: single nucleotide variant.
Coding change: c.*81A>G on transcript NM_001145809.2 (MANE Select); 81 bases downstream of the stop codon, A replaced by G.
Molecular consequence: 3 prime UTR variant.
Genome position (GRCh38, 1-based): chr19:50,309,871, A>G. VCF-style: chr19-50309871-A-G. GRCh37 (hg19) VCF-style: chr19-50813128-A-G.
Other names: c.*81A>G (NM_001077186.2, NM_024729.4).
Identifiers: ClinVar variation 329954 (VCV000329954.5), dbSNP rs772326631, ClinGen allele CA9594014.